The following is an entry in ClinVar:

NM_015072.5(TTLL5):c.2536G>A (p.Glu846Lys)

Gene: TTLL5 (tubulin tyrosine ligase like 5; plus strand). Cytogenetic location: 14q24.3.
Variant type: single nucleotide variant.
Coding change: c.2536G>A on transcript NM_015072.5 (MANE Select); coding-DNA position 2536, G replaced by A.
Protein change: p.Glu846Lys; replaces glutamic acid 846 with lysine.
Molecular consequence: missense variant.
Genome position (GRCh38, 1-based): chr14:75,782,507, G>A. VCF-style: chr14-75782507-G-A. GRCh37 (hg19) VCF-style: chr14-76248850-G-A.
Other names: short protein forms E846K.
Identifiers: ClinVar variation 715965 (VCV000715965.13), dbSNP rs147186140, ClinGen allele CA7279746.

ClinVar aggregate classification (germline): Likely benign. Review status: criteria provided, multiple submitters, no conflicts (2 of 4 stars). 3 submissions from 3 submitters: Likely benign (3). Last evaluated 2025-12-08.

Conditions:
TTLL5-related disorder. Also called: TTLL5-related condition.

Allele frequency attached by ClinVar (database versions not stated): ESP Exome Variant Server 0.00023; gnomAD exomes 0.00023 and 0.00029; gnomAD 0.00027 and 0.00033; TOPMed 0.00029; 1000 Genomes Project 30x 0.00031; ExAC 0.00038; 1000 Genomes Project 0.00040.
gnomAD v4.1: 468 of 1,613,738 alleles (0.029%); highest among the groups gnomAD compares: East Asian, 0.75%; 4 homozygotes.

Submissions (3):

Labcorp Genetics (formerly Invitae), Labcorp
Classification: Likely benign. Last evaluated: 2025-12-08. Review status: criteria provided, single submitter. Criteria: Invitae Variant Classification Sherloc (09022015). Collection method: clinical testing. Allele origin: germline.

Blueprint Genetics
Classification: Likely benign. Last evaluated: 2024-11-27. Review status: criteria provided, single submitter. Criteria: ACMG Guidelines, 2015. Collection method: clinical testing. Allele origin: germline.

PreventionGenetics, part of Exact Sciences
Classification: Likely benign for TTLL5-related condition. Last evaluated: 2024-11-26. Review status: criteria provided, single submitter. Criteria: ACMG Guidelines, 2015. Collection method: clinical testing. Allele origin: germline.
Comment: This variant is classified as likely benign based on ACMG/AMP sequence variant interpretation guidelines (Richards et al. 2015 PMID: 25741868, with internal and published modifications).